The following is an entry in ClinVar:

NM_001370298.3(FGD4):c.2173-23T>G

Gene: FGD4 (FYVE, RhoGEF and PH domain containing 4; plus strand). Cytogenetic location: 12p11.21.
Variant type: single nucleotide variant.
Coding change: c.2173-23T>G on transcript NM_001370298.3 (MANE Select); 23 bases into the intron before coding-DNA position 2173, T replaced by G.
Molecular consequence: intron variant.
Genome position (GRCh38, 1-based): chr12:32,633,526, T>G. VCF-style: chr12-32633526-T-G. GRCh37 (hg19) VCF-style: chr12-32786460-T-G.
Other names: NC_000012.11:g.32786460T>G; c.2173-23T>G (NM_001384126.1); c.2017-23T>G (NM_001304481.2); c.1483-23T>G (NM_001330374.2, NM_001330373.2, NM_001384130.1); c.1762-23T>G (NM_139241.3, NM_001384127.1, NM_001385118.1 and 1 more transcripts); c.730-23T>G (NM_001304484.2); c.1210-23T>G (NM_001370297.1); c.1018-23T>G (NM_001304483.2).
Identifiers: ClinVar variation 670510 (VCV000670510.3), dbSNP rs76834265, ClinGen allele CA6507015.

ClinVar aggregate classification (germline): Likely benign. Review status: criteria provided, multiple submitters, no conflicts (2 of 4 stars). 2 submissions from 2 submitters: Likely benign (2). Last evaluated 2018-06-20.

Allele frequency attached by ClinVar (database versions not stated): 1000 Genomes Project 30x 0.00219; 1000 Genomes Project 0.00240; gnomAD 0.00561; TOPMed 0.00663; ExAC 0.00763; ESP Exome Variant Server 0.00800; gnomAD exomes 0.00984.
gnomAD v4.1: 15,075 of 1,605,220 alleles (0.94%); highest among the groups gnomAD compares: Non-Finnish European, 1.2%; 90 homozygotes.

Submissions (11):

GeneDx
Classification: Likely benign. Last evaluated: 2018-06-20. Review status: criteria provided, single submitter. Criteria: GeneDx Variant Classification (06012015). Collection method: clinical testing. Allele origin: germline. Affected: yes.
Comment: This variant is considered likely benign or benign based on one or more of the following criteria: it is a conservative change, it occurs at a poorly conserved position in the protein, it is predicted to be benign by multiple in silico algorithms, and/or has population frequency not consistent with disease.

Breakthrough Genomics
Classification: Likely benign. Review status: criteria provided, single submitter. Criteria: ACMG Guidelines, 2015. Collection method: not provided. Allele origin: germline. Inheritance: Autosomal recessive inheritance. Affected: yes.

Dr. Peter K. Rogan Lab, Western University
No classification provided (evidence only). Condition: Lung cancer. Review status: no classification provided. Collection method: in vitro. Allele origin: not applicable. Functional consequence: retained intron. Not counted in ClinVar's aggregate classification.

Dr. Peter K. Rogan Lab, Western University
No classification provided (evidence only). Condition: Acute myeloid leukemia. Review status: no classification provided. Collection method: in vitro. Allele origin: not applicable. Functional consequence: retained intron. Not counted in ClinVar's aggregate classification.

Dr. Peter K. Rogan Lab, Western University
No classification provided (evidence only). Condition: Sarcoma. Review status: no classification provided. Collection method: in vitro. Allele origin: not applicable. Functional consequence: retained intron. Not counted in ClinVar's aggregate classification.

Dr. Peter K. Rogan Lab, Western University
No classification provided (evidence only). Condition: Sarcoma. Review status: no classification provided. Collection method: in vitro. Allele origin: not applicable. Functional consequence: retained intron. Not counted in ClinVar's aggregate classification.

Dr. Peter K. Rogan Lab, Western University
No classification provided (evidence only). Condition: Thymoma. Review status: no classification provided. Collection method: in vitro. Allele origin: not applicable. Functional consequence: retained intron. Not counted in ClinVar's aggregate classification.

Dr. Peter K. Rogan Lab, Western University
No classification provided (evidence only). Condition: Gastric cancer. Review status: no classification provided. Collection method: in vitro. Allele origin: not applicable. Functional consequence: retained intron. Not counted in ClinVar's aggregate classification.

Dr. Peter K. Rogan Lab, Western University
No classification provided (evidence only). Condition: Gastric cancer. Review status: no classification provided. Collection method: in vitro. Allele origin: not applicable. Functional consequence: retained intron. Not counted in ClinVar's aggregate classification.

Dr. Peter K. Rogan Lab, Western University
No classification provided (evidence only). Condition: Malignant tumor of esophagus. Review status: no classification provided. Collection method: in vitro. Allele origin: not applicable. Functional consequence: skipped exon, retained intron. Not counted in ClinVar's aggregate classification.

Dr. Peter K. Rogan Lab, Western University
No classification provided (evidence only). Condition: Malignant tumor of esophagus. Review status: no classification provided. Collection method: in vitro. Allele origin: not applicable. Functional consequence: skipped exon, retained intron. Not counted in ClinVar's aggregate classification.